The following is an entry in ClinVar:

ClinVar aggregate classification (germline): Uncertain significance (1 of 4 stars; one submission).

Conditions:
Fanconi anemia (FA). Also called: Fanconi's anemia. Identifiers: Orphanet 84, MedGen C0015625, MeSH D005199, MONDO:0019391.

Allele frequency attached by ClinVar (database versions not stated): gnomAD exomes below 0.00001.
gnomAD v4.1: 2 of 1,614,092 alleles (0.00012%); highest among the groups gnomAD compares: African/African-American, 0.0013%; no homozygotes.

Submission:

Labcorp Genetics (formerly Invitae), Labcorp
Classification: Uncertain significance for Fanconi anemia. Last evaluated: 2023-11-27. Review status: criteria provided, single submitter. Criteria: Invitae Variant Classification Sherloc (09022015). Collection method: clinical testing. Allele origin: germline.
Comment: This sequence change replaces aspartic acid, which is acidic and polar, with valine, which is neutral and non-polar, at codon 183 of the FANCI protein (p.Asp183Val). This variant is not present in population databases (gnomAD no frequency). This variant has not been reported in the literature in individuals affected with FANCI-related conditions. ClinVar contains an entry for this variant (Variation ID: 2112465). An algorithm developed to predict the effect of missense changes on protein structure and function (PolyPhen-2) suggests that this variant is likely to be disruptive. In summary, the available evidence is currently insufficient to determine the role of this variant in disease. Therefore, it has been classified as a Variant of Uncertain Significance.

NM_001113378.2(FANCI):c.548A>T (p.Asp183Val)

Gene: FANCI (FA complementation group I; plus strand). Cytogenetic location: 15q26.1.
Variant type: single nucleotide variant.
Coding change: c.548A>T on transcript NM_001113378.2 (MANE Select); coding-DNA position 548, A replaced by T.
Protein change: p.Asp183Val; replaces aspartic acid 183 with valine.
Molecular consequence: missense variant.
Genome position (GRCh38, 1-based): chr15:89,263,905, A>T. VCF-style: chr15-89263905-A-T. GRCh37 (hg19) VCF-style: chr15-89807136-A-T.
Other names: c.269A>T, p.Asp90Val (NM_001376910.1); c.548A>T, p.Asp183Val (NM_001376911.1, NM_018193.3); short protein forms D183V, D90V.
Identifiers: ClinVar variation 2112465 (VCV002112465.3), dbSNP rs2505968019, ClinGen allele CA393738877.